The following is an entry in ClinVar:

NM_001042492.3(NF1):c.3027T>A (p.Ile1009=)

Gene: NF1 (neurofibromin 1; plus strand). Cytogenetic location: 17q11.2.
Variant type: single nucleotide variant.
Coding change: c.3027T>A on transcript NM_001042492.3 (MANE Select); coding-DNA position 3027, T replaced by A.
Protein change: p.Ile1009=; no amino-acid change (isoleucine 1009 retained).
Molecular consequence: synonymous variant.
Genome position (GRCh38, 1-based): chr17:31,230,296, T>A. VCF-style: chr17-31230296-T-A. GRCh37 (hg19) VCF-style: chr17-29557314-T-A.
Other names: c.3027T>A, p.Ile1009= (NM_000267.4).
Identifiers: ClinVar variation 4875864 (VCV004875864.1).

ClinVar aggregate classification (germline): Benign (1 of 4 stars; one submission).

Conditions:
Neurofibromatosis, type 1 (NF1). Also called: VON RECKLINGHAUSEN DISEASE; NEUROFIBROMATOSIS, TYPE I, SOMATIC; Peripheral type neurofibromatosis; Neurofibromatosis, type I. Identifiers: Orphanet 636, MedGen C0027831, MONDO:0018975, OMIM 162200. Disease mechanism: loss of function.

Submission:

Myriad Genetics, Inc.
Classification: Benign for Neurofibromatosis, type 1. Last evaluated: 2026-05-18. Review status: criteria provided, single submitter. Criteria: Myriad Autosomal Dominant, Autosomal Recessive and X-Linked Classification Criteria (2023). Collection method: clinical testing. Allele origin: unknown.
Comment: This variant is considered benign. This variant is a silent/synonymous amino acid change and it is not expected to impact splicing.